The following is an entry in ClinVar:

ClinVar aggregate classification (germline): Uncertain significance. Review status: criteria provided, multiple submitters, no conflicts (2 of 4 stars). 2 submissions from 2 submitters: Uncertain significance (2). Last evaluated 2025-08-18.

Allele frequency attached by ClinVar (database versions not stated): gnomAD below 0.00001 and 0.00003; TOPMed 0.00002; ExAC 0.00010; 1000 Genomes Project 0.00060; 1000 Genomes Project 30x 0.00062.
gnomAD v4.1: 43 of 1,531,960 alleles (0.0028%); highest among the groups gnomAD compares: South Asian, 0.044%; 1 homozygote.

Submissions (2):

Labcorp Genetics (formerly Invitae), Labcorp
Classification: Uncertain significance. Last evaluated: 2025-08-18. Review status: criteria provided, single submitter. Criteria: Invitae Variant Classification Sherloc (09022015). Collection method: clinical testing. Allele origin: germline.
Comment: This sequence change replaces glycine, which is neutral and non-polar, with serine, which is neutral and polar, at codon 332 of the CAMK2B protein (p.Gly332Ser). This variant is present in population databases (rs560190297, gnomAD 0.03%). This variant has not been reported in the literature in individuals affected with CAMK2B-related conditions. ClinVar contains an entry for this variant (Variation ID: 916356). An algorithm developed to predict the effect of missense changes on protein structure and function (PolyPhen-2) suggests that this variant is likely to be disruptive. In summary, the available evidence is currently insufficient to determine the role of this variant in disease. Therefore, it has been classified as a Variant of Uncertain Significance.

CeGaT Center for Human Genetics Tuebingen
Classification: Uncertain significance. Last evaluated: 2020-02-01. Review status: criteria provided, single submitter. Criteria: CeGaT Center For Human Genetics Tuebingen Variant Classification Criteria Version 2. Collection method: clinical testing. Allele origin: germline. Affected: yes. Observed: 1 variant allele.

NM_001220.5(CAMK2B):c.994G>A (p.Gly332Ser)

Gene: CAMK2B (calcium/calmodulin dependent protein kinase II beta; minus strand). Cytogenetic location: 7p13.
Variant type: single nucleotide variant.
Coding change: c.994G>A on transcript NM_001220.5 (MANE Select); coding-DNA position 994, G replaced by A.
Protein change: p.Gly332Ser; replaces glycine 332 with serine.
Molecular consequence: missense variant. On other transcripts: intron variant (5).
Genome position (GRCh38, 1-based): chr7:44,239,616, C>T on the plus strand (G>A on the coding strand, the complement: CAMK2B is on the minus strand). VCF-style: chr7-44239616-C-T. GRCh37 (hg19) VCF-style: chr7-44279215-C-T.
Other names: c.994G>A, p.Gly332Ser (NM_001293170.2, NM_172078.3, NM_172082.3); c.946+1091G>A (NM_172084.3, NM_172080.3, NM_172083.3 and 2 more transcripts); short protein forms G332S.
Identifiers: ClinVar variation 916356 (VCV000916356.44), dbSNP rs560190297, ClinGen allele CA4240518.